The following is an entry in ClinVar:

ClinVar aggregate classification (germline): Uncertain significance (1 of 4 stars; one submission).

gnomAD v4.1: 1 of 1,614,196 alleles (0.000062%); no homozygotes.

Submission:

Ambry Genetics
Classification: Uncertain significance. Last evaluated: 2024-02-06. Review status: criteria provided, single submitter. Criteria: Ambry Variant Classification Scheme 2023. Collection method: clinical testing. Allele origin: germline.
Comment: The p.D1043V variant (also known as c.3128A>T), located in coding exon 1 of the MLH3 gene, results from an A to T substitution at nucleotide position 3128. The aspartic acid at codon 1043 is replaced by valine, an amino acid with highly dissimilar properties. This amino acid position is conserved. In addition, the in silico prediction for this alteration is inconclusive. Based on the available evidence, the clinical significance of this alteration remains unclear.

NM_001040108.2(MLH3):c.3128A>T (p.Asp1043Val)

Gene: MLH3 (mutL homolog 3; minus strand). Cytogenetic location: 14q24.3.
Variant type: single nucleotide variant.
Coding change: c.3128A>T on transcript NM_001040108.2 (MANE Select); coding-DNA position 3128, A replaced by T.
Protein change: p.Asp1043Val; replaces aspartic acid 1043 with valine.
Molecular consequence: missense variant.
Genome position (GRCh38, 1-based): chr14:75,046,528, T>A on the plus strand (A>T on the coding strand, the complement: MLH3 is on the minus strand). VCF-style: chr14-75046528-T-A. GRCh37 (hg19) VCF-style: chr14-75513231-T-A.
Other names: c.3128A>T, p.Asp1043Val (NM_014381.3); short protein forms D1043V.
Identifiers: ClinVar variation 3232526 (VCV003232526.1), dbSNP rs2503253548, ClinGen allele CA390436067.
Genomic context (GRCh38, chr14:75,046,528, plus strand): 5'-CCAGTCATTTTGTTGACATAAACCATTCTTCCCAGGGCTACATCGAAATGCCGCTGCCAA[T>A]CTGAACAACACGTGTTTGACTCTTCAGTTTCAGAACAAGCTCTTGCTTTAGATTCCTCAC-3'
Protein context (NP_001035197.1, residues 1033-1053): ETEESNTCCS[Asp1043Val]WQRHFDVALG